The following is an entry in ClinVar:

NM_006950.3(SYN1):c.1258C>G (p.Arg420Gly)

Gene: SYN1 (synapsin I; minus strand). Cytogenetic location: Xp11.3.
Variant type: single nucleotide variant.
Coding change: c.1258C>G on transcript NM_006950.3 (MANE Select); coding-DNA position 1258, C replaced by G.
Protein change: p.Arg420Gly; replaces arginine 420 with glycine.
Molecular consequence: missense variant.
Genome position (GRCh38, 1-based): chrX:47,575,175, G>C on the plus strand (C>G on the coding strand, the complement: SYN1 is on the minus strand). VCF-style: chrX-47575175-G-C. GRCh37 (hg19) VCF-style: chrX-47434574-G-C.
Other names: c.1258C>G, p.Arg420Gly (NM_133499.2); short protein forms R420G.
Identifiers: ClinVar variation 946167 (VCV000946167.11), dbSNP rs780269723, ClinGen allele CA10398387.
Genomic context (GRCh38, chrX:47,575,175, plus strand): 5'-CCAGGGGCCTGACCTGGCCATGGGAGCCCCTGCCAGGGGAGGCATCCCGCTGTCGCTGCC[G>C]GGGCAGGGCCTGAGCCATCTTGTTGACCACGAGCTCTACGATGAGCTGTTTGTCTTCATC-3'
Protein context (NP_008881.2, residues 410-430): VVNKMAQALP[Arg420Gly]QRQRDASPGR

ClinVar aggregate classification (germline): Uncertain significance. Review status: criteria provided, multiple submitters, no conflicts (2 of 4 stars). 2 submissions from 2 submitters: Uncertain significance (2). Last evaluated 2025-02-06.

Conditions:
Epilepsy, X-linked 1, with variable learning disabilities and behavior disorders. Also called: X-linked epilepsy-learning disabilities-behavior disorders syndrome. Identifiers: Orphanet 85294, MedGen C5774177, MONDO:0010339, OMIM 300491.

Allele frequency attached by ClinVar (database versions not stated): 1000 Genomes Project 30x 0.00021; 1000 Genomes Project 0.00026.
gnomAD v4.1: 2 of 1,195,993 alleles (0.00017%); highest among the groups gnomAD compares: African/African-American, 0.0017%; no homozygotes.

Submissions (2):

GeneDx
Classification: Uncertain significance. Last evaluated: 2025-02-06. Review status: criteria provided, single submitter. Criteria: GeneDx Variant Classification Process June 2021. Collection method: clinical testing. Allele origin: germline. Affected: yes.
Comment: Not observed at significant frequency in large population cohorts (gnomAD); In silico analysis indicates that this missense variant does not alter protein structure/function; Has not been previously published as pathogenic or benign to our knowledge

Labcorp Genetics (formerly Invitae), Labcorp
Classification: Uncertain significance for Epilepsy, X-linked 1, with variable learning disabilities and behavior disorders. Last evaluated: 2024-05-08. Review status: criteria provided, single submitter. Criteria: Invitae Variant Classification Sherloc (09022015). Collection method: clinical testing. Allele origin: germline.
Comment: This sequence change replaces arginine, which is basic and polar, with glycine, which is neutral and non-polar, at codon 420 of the SYN1 protein (p.Arg420Gly). This variant is not present in population databases (gnomAD no frequency). This variant has not been reported in the literature in individuals affected with SYN1-related conditions. ClinVar contains an entry for this variant (Variation ID: 946167). An algorithm developed to predict the effect of missense changes on protein structure and function (PolyPhen-2) suggests that this variant is likely to be disruptive. This variant disrupts the p.Arg420 amino acid residue in SYN1. Other variant(s) that disrupt this residue have been determined to be pathogenic (Invitae). This suggests that this residue is clinically significant, and that variants that disrupt this residue are likely to be disease-causing. In summary, the available evidence is currently insufficient to determine the role of this variant in disease. Therefore, it has been classified as a Variant of Uncertain Significance.